The following is an entry in ClinVar:

NM_000389.5(CDKN1A):c.264G>A (p.Glu88=)

Gene: CDKN1A (cyclin dependent kinase inhibitor 1A; plus strand). Cytogenetic location: 6p21.2.
Variant type: single nucleotide variant.
Coding change: c.264G>A on transcript NM_000389.5 (MANE Select); coding-DNA position 264, G replaced by A.
Protein change: p.Glu88=; no amino-acid change (glutamic acid 88 retained).
Molecular consequence: synonymous variant.
Genome position (GRCh38, 1-based): chr6:36,684,365, G>A. VCF-style: chr6-36684365-G-A. GRCh37 (hg19) VCF-style: chr6-36652142-G-A.
Other names: c.264G>A, p.Glu88= (NM_001220777.2, NM_001220778.2, NM_001374511.1 and 3 more transcripts); c.366G>A, p.Glu122= (NM_001291549.3, NM_001374509.1); c.303G>A, p.Glu101= (NM_001374510.1).
Identifiers: ClinVar variation 4281575 (VCV004281575.7).
Genomic context (GRCh38, chr6:36,684,365, plus strand): 5'-GCGGGGCCTTGGCCTGCCCAAGCTCTACCTTCCCACGGGGCCCCGGCGAGGCCGGGATGA[G>A]TTGGGAGGAGGCAGGCGGCCTGGCACCTCACCTGCTCTGCTGCAGGGGACAGCAGAGGAA-3'
Protein context (NP_000380.1, residues 78-98): LPTGPRRGRD[Glu88=]LGGGRRPGTS

ClinVar aggregate classification (germline): Likely benign (1 of 4 stars; one submission).

gnomAD v4.1: 1 of 1,613,472 alleles (0.000062%); highest among the groups gnomAD compares: Non-Finnish European, 0.000085%; no homozygotes.

Submission:

CeGaT Center for Human Genetics Tuebingen
Classification: Likely benign. Last evaluated: 2025-09-01. Review status: criteria provided, single submitter. Criteria: CeGaT Center For Human Genetics Tuebingen Variant Classification Criteria Version 2. Collection method: clinical testing. Allele origin: germline. Affected: yes. Observed: 1 variant allele.
Comment: CDKN1A: BP4, BP7